The following is an entry in ClinVar:

ClinVar aggregate classification (germline): Uncertain significance (1 of 4 stars; one submission).

Conditions:
ALDOB-related disorder. Also called: ALDOB-related condition.

gnomAD v4.1: 1 of 1,614,224 alleles (0.000062%); highest among the groups gnomAD compares: Admixed American, 0.0017%; no homozygotes.

Submission:

PreventionGenetics, part of Exact Sciences
Classification: Uncertain significance for ALDOB-related condition. Last evaluated: 2025-07-25. Review status: criteria provided, single submitter. Criteria: ACMG Guidelines, 2015. Collection method: clinical testing. Allele origin: germline.
Comment: The ALDOB c.844C>G variant is predicted to result in the amino acid substitution p.Leu282Val. To our knowledge, this variant has not been reported in the literature. This variant is reported in 0.0029% of alleles in individuals of Latino descent in gnomAD. At this time, the clinical significance of this variant is uncertain due to the absence of conclusive functional and genetic evidence.

NM_000035.4(ALDOB):c.844C>G (p.Leu282Val)

Gene: ALDOB (aldolase, fructose-bisphosphate B; minus strand). Cytogenetic location: 9q31.1.
Variant type: single nucleotide variant.
Coding change: c.844C>G on transcript NM_000035.4 (MANE Select); coding-DNA position 844, C replaced by G.
Protein change: p.Leu282Val; replaces leucine 282 with valine.
Molecular consequence: missense variant.
Genome position (GRCh38, 1-based): chr9:101,424,998, G>C on the plus strand (C>G on the coding strand, the complement: ALDOB is on the minus strand). VCF-style: chr9-101424998-G-C. GRCh37 (hg19) VCF-style: chr9-104187280-G-C.
Other names: short protein forms L282V.
Identifiers: ClinVar variation 4989351 (VCV004989351.1).